The following is an entry in ClinVar:

ClinVar aggregate classification (germline): Likely benign (0 of 4 stars; one submission).

Conditions:
SIN3B-related disorder. Also called: SIN3B-related condition.

Allele frequency attached by ClinVar (database versions not stated): ExAC 0.00002; gnomAD 0.00003; TOPMed 0.00003; gnomAD exomes 0.00004.
gnomAD v4.1: 64 of 1,608,754 alleles (0.004%); highest among the groups gnomAD compares: Admixed American, 0.01%; no homozygotes.

Submission:

PreventionGenetics, part of Exact Sciences
Classification: Likely benign for SIN3B-related condition. Last evaluated: 2019-12-23. Review status: no assertion criteria provided. Collection method: clinical testing. Allele origin: germline.
Comment: This variant is classified as likely benign based on ACMG/AMP sequence variant interpretation guidelines (Richards et al. 2015 PMID: 25741868, with internal and published modifications).

NM_001297595.2(SIN3B):c.1599C>T (p.Thr533=)

Gene: SIN3B (SIN3 transcription regulator family member B; plus strand). Cytogenetic location: 19p13.11.
Variant type: single nucleotide variant.
Coding change: c.1599C>T on transcript NM_001297595.2 (MANE Select); coding-DNA position 1599, C replaced by T.
Protein change: p.Thr533=; no amino-acid change (threonine 533 retained).
Molecular consequence: synonymous variant.
Genome position (GRCh38, 1-based): chr19:16,865,625, C>T. VCF-style: chr19-16865625-C-T. GRCh37 (hg19) VCF-style: chr19-16976436-C-T.
Other names: c.369C>T, p.Thr123= (NM_001297597.2); c.1695C>T, p.Thr565= (NM_015260.4).
Identifiers: ClinVar variation 3040128 (VCV003040128.2), dbSNP rs747918884, ClinGen allele CA9283231.